The following is an entry in ClinVar:

ClinVar aggregate classification (germline): Benign. Review status: criteria provided, multiple submitters, no conflicts (2 of 4 stars). 2 submissions from 2 submitters: Benign (2). Last evaluated 2018-06-18.

Allele frequency attached by ClinVar (database versions not stated): gnomAD 0.08728 and 0.08209; TOPMed 0.09399; 1000 Genomes Project 30x 0.09865; ESP Exome Variant Server 0.10184; gnomAD exomes 0.02318 and 0.00819; ExAC 0.03559; 1000 Genomes Project 0.09642.
gnomAD v4.1: 18,593 of 1,198,782 alleles (1.6%); highest among the groups gnomAD compares: African/African-American, 28%; 1,784 homozygotes.

Submissions (10):

GeneDx
Classification: Benign. Last evaluated: 2018-06-18. Review status: criteria provided, single submitter. Criteria: GeneDx Variant Classification (06012015). Collection method: clinical testing. Allele origin: germline. Affected: yes.
Comment: This variant is considered likely benign or benign based on one or more of the following criteria: it is a conservative change, it occurs at a poorly conserved position in the protein, it is predicted to be benign by multiple in silico algorithms, and/or has population frequency not consistent with disease.

Breakthrough Genomics
Classification: Benign. Review status: criteria provided, single submitter. Criteria: ACMG Guidelines, 2015. Collection method: not provided. Allele origin: germline. Inheritance: Other. Affected: yes.

Dr. Peter K. Rogan Lab, Western University
No classification provided (evidence only). Condition: Lung cancer. Review status: no classification provided. Collection method: in vitro. Allele origin: not applicable. Functional consequence: retained intron. Not counted in ClinVar's aggregate classification.

Dr. Peter K. Rogan Lab, Western University
No classification provided (evidence only). Condition: Sarcoma. Review status: no classification provided. Collection method: in vitro. Allele origin: not applicable. Functional consequence: retained intron. Not counted in ClinVar's aggregate classification.

Dr. Peter K. Rogan Lab, Western University
No classification provided (evidence only). Condition: Sarcoma. Review status: no classification provided. Collection method: in vitro. Allele origin: not applicable. Functional consequence: retained intron. Not counted in ClinVar's aggregate classification.

Dr. Peter K. Rogan Lab, Western University
No classification provided (evidence only). Condition: Thymoma. Review status: no classification provided. Collection method: in vitro. Allele origin: not applicable. Functional consequence: skipped exon. Not counted in ClinVar's aggregate classification.

Dr. Peter K. Rogan Lab, Western University
No classification provided (evidence only). Condition: Cholangiocarcinoma. Review status: no classification provided. Collection method: in vitro. Allele origin: not applicable. Functional consequence: retained intron. Not counted in ClinVar's aggregate classification.

Dr. Peter K. Rogan Lab, Western University
No classification provided (evidence only). Condition: Ovarian serous cystadenocarcinoma. Review status: no classification provided. Collection method: in vitro. Allele origin: not applicable. Functional consequence: retained intron. Not counted in ClinVar's aggregate classification.

Dr. Peter K. Rogan Lab, Western University
No classification provided (evidence only). Condition: Ovarian serous cystadenocarcinoma. Review status: no classification provided. Collection method: in vitro. Allele origin: not applicable. Functional consequence: retained intron. Not counted in ClinVar's aggregate classification.

Dr. Peter K. Rogan Lab, Western University
No classification provided (evidence only). Condition: Malignant tumor of esophagus. Review status: no classification provided. Collection method: in vitro. Allele origin: not applicable. Functional consequence: retained intron. Not counted in ClinVar's aggregate classification.

NM_003334.4(UBA1):c.1233+43T>G

Gene: UBA1 (ubiquitin like modifier activating enzyme 1; plus strand). Cytogenetic location: Xp11.3.
Variant type: single nucleotide variant.
Coding change: c.1233+43T>G on transcript NM_003334.4 (MANE Select); 43 bases into the intron after coding-DNA position 1233, T replaced by G.
Molecular consequence: intron variant.
Genome position (GRCh38, 1-based): chrX:47,202,857, T>G. VCF-style: chrX-47202857-T-G. GRCh37 (hg19) VCF-style: chrX-47062256-T-G.
Other names: NC_000023.10:g.47062256T>G; c.1233+43T>G (NM_153280.3).
Identifiers: ClinVar variation 674442 (VCV000674442.3), dbSNP rs7877968, ClinGen allele CA10395869.